The following is an entry in ClinVar:

ClinVar aggregate classification (germline): Uncertain significance (1 of 4 stars; one submission).

Allele frequency attached by ClinVar (database versions not stated): gnomAD 0.00001; gnomAD exomes 0.00001; TOPMed 0.00001.
gnomAD v4.1: 11 of 1,613,320 alleles (0.00068%); highest among the groups gnomAD compares: Non-Finnish European, 0.00076%; no homozygotes.

Submission:

Labcorp Genetics (formerly Invitae), Labcorp
Classification: Uncertain significance. Last evaluated: 2022-10-08. Review status: criteria provided, single submitter. Criteria: Invitae Variant Classification Sherloc (09022015). Collection method: clinical testing. Allele origin: germline.
Comment: This sequence change replaces isoleucine, which is neutral and non-polar, with valine, which is neutral and non-polar, at codon 254 of the RASGRP1 protein (p.Ile254Val). This variant is not present in population databases (gnomAD no frequency). This variant has not been reported in the literature in individuals affected with RASGRP1-related conditions. Advanced modeling of protein sequence and biophysical properties (such as structural, functional, and spatial information, amino acid conservation, physicochemical variation, residue mobility, and thermodynamic stability) performed at Invitae indicates that this missense variant is not expected to disrupt RASGRP1 protein function. In summary, the available evidence is currently insufficient to determine the role of this variant in disease. Therefore, it has been classified as a Variant of Uncertain Significance.

NM_005739.4(RASGRP1):c.760A>G (p.Ile254Val)

Gene: RASGRP1 (RAS guanyl releasing protein 1; minus strand). Cytogenetic location: 15q14.
Variant type: single nucleotide variant.
Coding change: c.760A>G on transcript NM_005739.4 (MANE Select); coding-DNA position 760, A replaced by G.
Protein change: p.Ile254Val; replaces isoleucine 254 with valine.
Molecular consequence: missense variant.
Genome position (GRCh38, 1-based): chr15:38,512,872, T>C on the plus strand (A>G on the coding strand, the complement: RASGRP1 is on the minus strand). VCF-style: chr15-38512872-T-C. GRCh37 (hg19) VCF-style: chr15-38805073-T-C.
Other names: c.760A>G, p.Ile254Val (NM_001128602.2, NM_001306086.2); short protein forms I254V.
Identifiers: ClinVar variation 1932357 (VCV001932357.2), dbSNP rs1228040548, ClinGen allele CA391651632.